The following is an entry in ClinVar:

ClinVar aggregate classification (germline): Uncertain significance (1 of 4 stars; one submission).

Conditions:
Duchenne muscular dystrophy (DMD). Also called: MUSCULAR DYSTROPHY, PSEUDOHYPERTROPHIC PROGRESSIVE, DUCHENNE TYPE; Duchenne Muscular Dystrophy (DMD). Identifiers: Orphanet 98896, MedGen C0013264, MONDO:0010679, OMIM 310200.

Submission:

Labcorp Genetics (formerly Invitae), Labcorp
Classification: Uncertain significance for Duchenne muscular dystrophy. Last evaluated: 2023-11-01. Review status: criteria provided, single submitter. Criteria: Invitae Variant Classification Sherloc (09022015). Collection method: clinical testing. Allele origin: germline.
Comment: This sequence change replaces methionine, which is neutral and non-polar, with valine, which is neutral and non-polar, at codon 905 of the DMD protein (p.Met905Val). This variant is not present in population databases (gnomAD no frequency). This variant has not been reported in the literature in individuals affected with DMD-related conditions. Advanced modeling of protein sequence and biophysical properties (such as structural, functional, and spatial information, amino acid conservation, physicochemical variation, residue mobility, and thermodynamic stability) performed at Invitae indicates that this missense variant is not expected to disrupt DMD protein function with a negative predictive value of 95%. In summary, the available evidence is currently insufficient to determine the role of this variant in disease. Therefore, it has been classified as a Variant of Uncertain Significance.

NM_004006.3(DMD):c.2713A>G (p.Met905Val)

Gene: DMD (dystrophin; minus strand). Cytogenetic location: Xp21.1.
Variant type: single nucleotide variant.
Coding change: c.2713A>G on transcript NM_004006.3 (MANE Select); coding-DNA position 2713, A replaced by G.
Protein change: p.Met905Val; replaces methionine 905 with valine.
Molecular consequence: missense variant.
Genome position (GRCh38, 1-based): chrX:32,485,009, T>C on the plus strand (A>G on the coding strand, the complement: DMD is on the minus strand). VCF-style: chrX-32485009-T-C. GRCh37 (hg19) VCF-style: chrX-32503126-T-C.
Other names: c.2689A>G, p.Met897Val (NM_000109.4); c.2701A>G, p.Met901Val (NM_004009.3); c.2344A>G, p.Met782Val (NM_004010.3); short protein forms M782V, M905V, M901V, M897V.
Identifiers: ClinVar variation 2957178 (VCV002957178.3), dbSNP rs2524914410, ClinGen allele CA412670828.